The following is an entry in ClinVar:

NM_000535.7(PMS2):c.675A>G (p.Glu225=)

Gene: PMS2 (PMS1 homolog 2, mismatch repair system component; minus strand). Cytogenetic location: 7p22.1.
Variant type: single nucleotide variant.
Coding change: c.675A>G on transcript NM_000535.7 (MANE Select); coding-DNA position 675, A replaced by G.
Protein change: p.Glu225=; no amino-acid change (glutamic acid 225 retained).
Molecular consequence: synonymous variant. On other transcripts: 5 prime UTR variant (2), non-coding transcript variant (1), intron variant (1).
Genome position (GRCh38, 1-based): chr7:5,999,138, T>C on the plus strand (A>G on the coding strand, the complement: PMS2 is on the minus strand). VCF-style: chr7-5999138-T-C. GRCh37 (hg19) VCF-style: chr7-6038769-T-C.
Other names: c.270A>G, p.Glu90= (NM_001322003.2, NM_001322004.2, NM_001322005.2 and 2 more transcripts); c.675A>G, p.Glu225= (NM_001322006.2, NM_001322014.2); c.357A>G, p.Glu119= (NM_001322007.2, NM_001322008.2); c.-259A>G (NM_001322011.2, NM_001322012.2); c.366A>G, p.Glu122= (NM_001322015.2); c.133-1715A>G (NM_001322013.2).
Identifiers: ClinVar variation 756636 (VCV000756636.11), dbSNP rs876661233, ClinGen allele CA453646803.

ClinVar aggregate classification (germline): Benign/Likely benign. Review status: criteria provided, multiple submitters, no conflicts (2 of 4 stars). 3 submissions from 3 submitters: Benign (1); Likely benign (2). Last evaluated 2025-12-13.

Conditions:
Hereditary nonpolyposis colorectal neoplasms. Identifiers: MedGen C0009405, MeSH D003123.
Hereditary cancer-predisposing syndrome. Also called: Hereditary Cancer Syndrome; Hereditary neoplastic syndrome; Neoplastic Syndromes, Hereditary; Tumor predisposition. Identifiers: Orphanet 140162, MedGen C0027672, MeSH D009386, MONDO:0015356.
Lynch syndrome 4 (LYNCH4). Also called: Colorectal cancer, hereditary nonpolyposis, type 4; Hereditary non-polyposis colorectal cancer, type 4. Identifiers: Orphanet 144, MedGen C1838333, MONDO:0013699, OMIM 614337. Disease mechanism: loss of function.

Allele frequency attached by ClinVar (database versions not stated): gnomAD exomes below 0.00001.
gnomAD v4.1: 1 of 1,614,156 alleles (0.000062%); highest among the groups gnomAD compares: Non-Finnish European, 0.000085%; no homozygotes.

Submissions (3):

Labcorp Genetics (formerly Invitae), Labcorp
Classification: Likely benign for Hereditary nonpolyposis colorectal neoplasms. Last evaluated: 2025-12-13. Review status: criteria provided, single submitter. Criteria: Invitae Variant Classification Sherloc (09022015). Collection method: clinical testing. Allele origin: germline.

Myriad Genetics, Inc.
Classification: Benign for Lynch syndrome 4. Last evaluated: 2025-01-27. Review status: criteria provided, single submitter. Criteria: Myriad Autosomal Dominant, Autosomal Recessive and X-Linked Classification Criteria (2023). Collection method: clinical testing. Allele origin: unknown.
Comment: This variant is considered benign. This variant is a silent/synonymous amino acid change and it is not expected to impact splicing.

Ambry Genetics
Classification: Likely benign for Hereditary cancer-predisposing syndrome. Last evaluated: 2020-04-23. Review status: criteria provided, single submitter. Criteria: Ambry Variant Classification Scheme 2023. Collection method: clinical testing. Allele origin: germline.